The following is an entry in ClinVar:

ClinVar aggregate classification (germline): Uncertain significance (1 of 4 stars; one submission).

Conditions:
Hereditary cancer-predisposing syndrome. Also called: Neoplastic Syndromes, Hereditary; Hereditary Cancer Syndrome; Tumor predisposition; Hereditary neoplastic syndrome. Identifiers: Orphanet 140162, MedGen C0027672, MeSH D009386, MONDO:0015356.

gnomAD v4.1: 1 of 1,614,056 alleles (0.000062%); highest among the groups gnomAD compares: Non-Finnish European, 0.000085%; no homozygotes.

Submission:

Ambry Genetics
Classification: Uncertain significance for Hereditary cancer-predisposing syndrome. Last evaluated: 2025-03-10. Review status: criteria provided, single submitter. Criteria: Ambry Variant Classification Scheme 2023. Collection method: clinical testing. Allele origin: germline.
Comment: The p.I1484M variant (also known as c.4452C>G), located in coding exon 35 of the POLE gene, results from a C to G substitution at nucleotide position 4452. The isoleucine at codon 1484 is replaced by methionine, an amino acid with highly similar properties. This amino acid position is conserved. In addition, this alteration is predicted to be tolerated by in silico analysis. Based on the available evidence, the clinical significance of this variant remains unclear.

NM_006231.4(POLE):c.4452C>G (p.Ile1484Met)

Gene: POLE (DNA polymerase epsilon, catalytic subunit; minus strand). Cytogenetic location: 12q24.33.
Variant type: single nucleotide variant.
Coding change: c.4452C>G on transcript NM_006231.4 (MANE Select); coding-DNA position 4452, C replaced by G.
Protein change: p.Ile1484Met; replaces isoleucine 1484 with methionine.
Molecular consequence: missense variant.
Genome position (GRCh38, 1-based): chr12:132,643,323, G>C on the plus strand (C>G on the coding strand, the complement: POLE is on the minus strand). VCF-style: chr12-132643323-G-C. GRCh37 (hg19) VCF-style: chr12-133219909-G-C.
Other names: short protein forms I1484M.
Identifiers: ClinVar variation 3781501 (VCV003781501.1).